The following is an entry in ClinVar:

NM_015978.3(TNNI3K):c.2432-11T>G

Genes: FPGT-TNNI3K (FPGT-TNNI3K readthrough; plus strand), TNNI3K (TNNI3 interacting kinase; plus strand). Cytogenetic location: 1p31.1.
Variant type: single nucleotide variant.
Coding change: c.2432-11T>G on transcript NM_015978.3 (MANE Select); 11 bases into the intron before coding-DNA position 2432, T replaced by G.
Molecular consequence: intron variant.
Genome position (GRCh38, 1-based): chr1:74,543,895, T>G. VCF-style: chr1-74543895-T-G. GRCh37 (hg19) VCF-style: chr1-75009579-T-G.
Other names: c.2735-11T>G (NM_001112808.3).
Identifiers: ClinVar variation 3011328 (VCV003011328.3), dbSNP rs2100472330, ClinGen allele CA2740090786.

ClinVar aggregate classification (germline): Uncertain significance (1 of 4 stars; one submission).

Submission:

Labcorp Genetics (formerly Invitae), Labcorp
Classification: Uncertain significance. Last evaluated: 2025-04-07. Review status: criteria provided, single submitter. Criteria: Invitae Variant Classification Sherloc (09022015). Collection method: clinical testing. Allele origin: germline.
Comment: This sequence change falls in intron 24 of the TNNI3K gene. It does not directly change the encoded amino acid sequence of the TNNI3K protein. This variant is not present in population databases (gnomAD no frequency). This variant has not been reported in the literature in individuals affected with TNNI3K-related conditions. ClinVar contains an entry for this variant (Variation ID: 3011328). Algorithms developed to predict the effect of sequence changes on RNA splicing suggest that this variant may disrupt the consensus splice site. In summary, the available evidence is currently insufficient to determine the role of this variant in disease. Therefore, it has been classified as a Variant of Uncertain Significance.